The following is an entry in ClinVar:

ClinVar aggregate classification (germline): Uncertain significance (1 of 4 stars; one submission).

Conditions:
Inborn genetic diseases. Identifiers: MedGen C0950123, MeSH D030342.

Submission:

Ambry Genetics
Classification: Uncertain significance for Inborn genetic diseases. Last evaluated: 2025-10-06. Review status: criteria provided, single submitter. Criteria: Ambry Variant Classification Scheme 2023. Collection method: clinical testing. Allele origin: germline.
Comment: The p.S301N variant (also known as c.902G>A), located in coding exon 3 of the MBD4 gene, results from a G to A substitution at nucleotide position 902. The serine at codon 301 is replaced by asparagine, an amino acid with highly similar properties. This amino acid position is conserved. In addition, this alteration is predicted to be tolerated by in silico analysis. Based on the available evidence, the clinical significance of this variant remains unclear.

NM_001276270.2(MBD4):c.902G>A (p.Ser301Asn)

Gene: MBD4 (methyl-CpG binding domain 4, DNA glycosylase; minus strand). Cytogenetic location: 3q21.3.
Variant type: single nucleotide variant.
Coding change: c.902G>A on transcript NM_001276270.2 (MANE Select); coding-DNA position 902, G replaced by A.
Protein change: p.Ser301Asn; replaces serine 301 with asparagine.
Molecular consequence: missense variant. On other transcripts: intron variant (1).
Genome position (GRCh38, 1-based): chr3:129,436,742, C>T on the plus strand (G>A on the coding strand, the complement: MBD4 is on the minus strand). VCF-style: chr3-129436742-C-T. GRCh37 (hg19) VCF-style: chr3-129155585-C-T.
Other names: c.902G>A, p.Ser301Asn (NM_001276271.2, NM_001276272.2, NM_003925.3); c.247+1066G>A (NM_001276273.2); short protein forms S301N.
Identifiers: ClinVar variation 4624396 (VCV004624396.1).